The following is an entry in ClinVar:

ClinVar aggregate classification (germline): Benign. Review status: criteria provided, single submitter (1 of 4 stars). 2 submissions from 2 submitters: Benign (1). 1 of the submissions does not count toward it. Last evaluated 2025-10-28.

Conditions:
SLC25A13-related disorder. Also called: SLC25A13-related condition.
Citrin deficiency. Identifiers: Orphanet 247582, MedGen C1997910, MONDO:0016602.

Allele frequency attached by ClinVar (database versions not stated): gnomAD 0.00001; TOPMed 0.00003.
gnomAD v4.1: 30 of 1,613,874 alleles (0.0019%); highest among the groups gnomAD compares: Admixed American, 0.05%; 1 homozygote.

Submissions (2):

Labcorp Genetics (formerly Invitae), Labcorp
Classification: Benign for Citrin deficiency. Last evaluated: 2025-10-28. Review status: criteria provided, single submitter. Criteria: Invitae Variant Classification Sherloc (09022015). Collection method: clinical testing. Allele origin: germline.

PreventionGenetics, part of Exact Sciences
Classification: Likely benign for SLC25A13-related condition. Last evaluated: 2022-02-15. Review status: no assertion criteria provided. Collection method: clinical testing. Allele origin: germline. Not counted in ClinVar's aggregate classification.
Comment: This variant is classified as likely benign based on ACMG/AMP sequence variant interpretation guidelines (Richards et al. 2015 PMID: 25741868, with internal and published modifications).

NM_014251.3(SLC25A13):c.576C>G (p.Pro192=)

Gene: SLC25A13 (solute carrier family 25 member 13; minus strand). Cytogenetic location: 7q21.3.
Variant type: single nucleotide variant.
Coding change: c.576C>G on transcript NM_014251.3 (MANE Select); coding-DNA position 576, C replaced by G.
Protein change: p.Pro192=; no amino-acid change (proline 192 retained).
Molecular consequence: synonymous variant. On other transcripts: non-coding transcript variant (1).
Genome position (GRCh38, 1-based): chr7:96,193,076, G>C on the plus strand (C>G on the coding strand, the complement: SLC25A13 is on the minus strand). VCF-style: chr7-96193076-G-C. GRCh37 (hg19) VCF-style: chr7-95822388-G-C.
Other names: c.576C>G, p.Pro192= (NM_001160210.2); c.576C>G (NM_014251.2).
Identifiers: ClinVar variation 1170718 (VCV001170718.11), dbSNP rs753114158, ClinGen allele CA4353222.